The following is an entry in ClinVar:

ClinVar aggregate classification (germline): Pathogenic (1 of 4 stars; one submission).

Conditions:
Gorlin syndrome. Also called: Basal cell nevus syndrome; Nevoid Basal Cell Carcinoma Syndrome. Identifiers: Orphanet 377, MedGen C0004779, MONDO:0007187.

Submission:

Labcorp Genetics (formerly Invitae), Labcorp
Classification: Pathogenic for Gorlin syndrome. Last evaluated: 2021-05-25. Review status: criteria provided, single submitter. Criteria: Invitae Variant Classification Sherloc (09022015). Collection method: clinical testing. Allele origin: germline.
Comment: For these reasons, this variant has been classified as Pathogenic. This variant has not been reported in the literature in individuals with PTCH1-related conditions. This variant is not present in population databases (ExAC no frequency). This sequence change creates a premature translational stop signal (p.Tyr922*) in the PTCH1 gene. It is expected to result in an absent or disrupted protein product. Loss-of-function variants in PTCH1 are known to be pathogenic (PMID: 16301862, 16419085).

Literature cited by the submitters: PubMed 16301862; PubMed 16419085.

NM_000264.5(PTCH1):c.2766C>A (p.Tyr922Ter)

Gene: PTCH1 (patched 1; minus strand). Cytogenetic location: 9q22.32.
Variant type: single nucleotide variant.
Coding change: c.2766C>A on transcript NM_000264.5 (MANE Select); coding-DNA position 2766, C replaced by A.
Protein change: p.Tyr922Ter; replaces tyrosine 922 with a stop codon.
Molecular consequence: nonsense. On other transcripts: non-coding transcript variant (1).
Genome position (GRCh38, 1-based): chr9:95,459,721, G>T on the plus strand (C>A on the coding strand, the complement: PTCH1 is on the minus strand). VCF-style: chr9-95459721-G-T. GRCh37 (hg19) VCF-style: chr9-98222003-G-T.
Other names: c.2568C>A, p.Tyr856Ter (NM_001083602.3); c.2763C>A, p.Tyr921Ter (NM_001083603.3); c.2313C>A, p.Tyr771Ter (NM_001083604.3, NM_001083605.3, NM_001083606.3 and 1 more transcripts); c.2610C>A, p.Tyr870Ter (NM_001354918.2); short protein forms Y921*, Y870*, Y771*, Y856*, Y922*.
Identifiers: ClinVar variation 1385636 (VCV001385636.6), dbSNP rs1554691698, ClinGen allele CA374113125.